The following is an entry in ClinVar:

NM_012448.4(STAT5B):c.247C>T (p.Leu83=)

Gene: STAT5B (signal transducer and activator of transcription 5B; minus strand). Cytogenetic location: 17q21.2.
Variant type: single nucleotide variant.
Coding change: c.247C>T on transcript NM_012448.4 (MANE Select); coding-DNA position 247, C replaced by T.
Protein change: p.Leu83=; no amino-acid change (leucine 83 retained).
Molecular consequence: synonymous variant.
Genome position (GRCh38, 1-based): chr17:42,227,567, G>A on the plus strand (C>T on the coding strand, the complement: STAT5B is on the minus strand). VCF-style: chr17-42227567-G-A. GRCh37 (hg19) VCF-style: chr17-40379585-G-A.
Identifiers: ClinVar variation 282341 (VCV000282341.42), dbSNP rs146176992, ClinGen allele CA8574345.
Genomic context (GRCh38, chr17:42,227,567, plus strand): 5'-TGACCCCAGAGCCCACACCCACCTGGAGCTGTGTGGCATAGTGCCCCAGCTTGATCTTCA[G>A]TAAAAACCCATCTTCCCCCACCTGGTGCTCTGCCTTCTTCTGCAGCTCCTGCACCAGGCC-3'
Protein context (NP_036580.2, residues 73-93): EHQVGEDGFL[Leu83=]KIKLGHYATQ

ClinVar aggregate classification (germline): Benign/Likely benign. Review status: criteria provided, multiple submitters, no conflicts (2 of 4 stars). 5 submissions from 5 submitters: Benign (4); Likely benign (1). Last evaluated 2026-08-01.

Conditions:
Growth hormone insensitivity with immune dysregulation 1, autosomal recessive. Also called: GROWTH HORMONE INSENSITIVITY SYNDROME WITH IMMUNE DYSREGULATION 1, AUTOSOMAL RECESSIVE; GROWTH HORMONE INSENSITIVITY DUE TO POSTRECEPTOR DEFECT; LARON SYNDROME DUE TO POSTRECEPTOR DEFECT; Laron syndrome with immunodeficiency. Identifiers: Orphanet 220465, MedGen C5435698, MONDO:0100211, OMIM 245590.

Allele frequency attached by ClinVar (database versions not stated): 1000 Genomes Project 0.00160; 1000 Genomes Project 30x 0.00187; ESP Exome Variant Server 0.00400; TOPMed 0.00404; gnomAD 0.00415; gnomAD exomes 0.00493 and 0.00551; ExAC 0.00502.

Submissions (5):

CeGaT Center for Human Genetics Tuebingen
Classification: Likely benign. Last evaluated: 2026-08-01. Review status: criteria provided, single submitter. Criteria: CeGaT Center For Human Genetics Tuebingen Variant Classification Criteria Version 2. Collection method: clinical testing. Allele origin: germline. Affected: yes. Observed: 11 variant alleles.
Comment: STAT5B: BP4, BS2

Women's Health and Genetics/Laboratory Corporation of America, LabCorp
Classification: Benign. Last evaluated: 2026-05-11. Review status: criteria provided, single submitter. Criteria: LabCorp Variant Classification Summary - May 2015. Collection method: clinical testing. Allele origin: germline.

Labcorp Genetics (formerly Invitae), Labcorp
Classification: Benign for Growth hormone insensitivity with immune dysregulation 1, autosomal recessive. Last evaluated: 2026-01-28. Review status: criteria provided, single submitter. Criteria: Invitae Variant Classification Sherloc (09022015). Collection method: clinical testing. Allele origin: germline.

Eurofins Ntd Llc (ga)
Classification: Benign. Last evaluated: 2015-08-04. Review status: criteria provided, single submitter. Criteria: EGL Classification Definitions 2015. Collection method: clinical testing. Allele origin: germline. Observed: 1 variant allele, 1 heterozygote.

Breakthrough Genomics
Classification: Benign. Review status: criteria provided, single submitter. Criteria: ACMG Guidelines, 2015. Collection method: not provided. Allele origin: germline. Inheritance: Autosomal recessive inheritance. Affected: yes.